The following is an entry in ClinVar:

ClinVar aggregate classification (germline): Uncertain significance (1 of 4 stars; one submission).

Allele frequency attached by ClinVar (database versions not stated): ExAC 0.00008.

Submission:

Labcorp Genetics (formerly Invitae), Labcorp
Classification: Uncertain significance. Last evaluated: 2023-12-03. Review status: criteria provided, single submitter. Criteria: Invitae Variant Classification Sherloc (09022015). Collection method: clinical testing. Allele origin: germline.
Comment: This sequence change creates a premature translational stop signal (p.Glu82*) in the POC5 gene. It is expected to result in an absent or disrupted protein product. However, the current clinical and genetic evidence is not sufficient to establish whether loss-of-function variants in POC5 cause disease. The frequency data for this variant in the population databases is considered unreliable, as metrics indicate poor data quality at this position in the gnomAD database. This variant has not been reported in the literature in individuals affected with POC5-related conditions. In summary, the available evidence is currently insufficient to determine the role of this variant in disease. Therefore, it has been classified as a Variant of Uncertain Significance.

NM_001099271.2(POC5):c.244G>T (p.Glu82Ter)

Gene: POC5 (POC5 centriolar protein; minus strand). Cytogenetic location: 5q13.3.
Variant type: single nucleotide variant.
Coding change: c.244G>T on transcript NM_001099271.2 (MANE Select); coding-DNA position 244, G replaced by T.
Protein change: p.Glu82Ter; replaces glutamic acid 82 with a stop codon.
Molecular consequence: nonsense.
Genome position (GRCh38, 1-based): chr5:75,705,767, C>A on the plus strand (G>T on the coding strand, the complement: POC5 is on the minus strand). VCF-style: chr5-75705767-C-A. GRCh37 (hg19) VCF-style: chr5-75001592-C-A.
Other names: c.169G>T, p.Glu57Ter (NM_152408.3); short protein forms E57*, E82*.
Identifiers: ClinVar variation 2970828 (VCV002970828.3), dbSNP rs780039150, ClinGen allele CA3310617.
Genomic context (GRCh38, chr5:75,705,767, plus strand): 5'-CTGTCTTTGAATGACTTGAAATATGGAAATCACATCCTTTTCCAACTTCTATTGCAGTTT[C>A]TCTTACTTCAGAGTTATTTCCTGCCAAAAAGAAAGCTTTTTAAAATTAAACTGAACCACT-3'